The following is an entry in ClinVar:

NM_000069.3(CACNA1S):c.1606T>C (p.Phe536Leu)

Gene: CACNA1S (calcium voltage-gated channel subunit alpha1 S; minus strand). Cytogenetic location: 1q32.1.
Variant type: single nucleotide variant.
Coding change: c.1606T>C on transcript NM_000069.3 (MANE Select); coding-DNA position 1606, T replaced by C.
Protein change: p.Phe536Leu; replaces phenylalanine 536 with leucine.
Molecular consequence: missense variant.
Genome position (GRCh38, 1-based): chr1:201,077,892, A>G on the plus strand (T>C on the coding strand, the complement: CACNA1S is on the minus strand). VCF-style: chr1-201077892-A-G. GRCh37 (hg19) VCF-style: chr1-201047020-A-G.
Other names: short protein forms F536L.
Identifiers: ClinVar variation 2953175 (VCV002953175.3), dbSNP rs2464570184, ClinGen allele CA344121105.
Genomic context (GRCh38, chr1:201,077,892, plus strand): 5'-TGGTGCCTGCCGGGGACCCGGGAGTGCCAGCCGACCCCGGCACTCACTTGGTGATCTTGA[A>G]GATCCTCAGGAGGCGGATGCAGCGGAGCACGGAGATGCCCAGGGGTGTCATGGCACCCGA-3'
Protein context (NP_000060.2, residues 526-546): VLRCIRLLRI[Phe536Leu]KITKYWTSLS

ClinVar aggregate classification (germline): Uncertain significance (1 of 4 stars; one submission).

Conditions:
Malignant hyperthermia, susceptibility to, 5 (MHS5). Also called: CACNA1S-Related Malignant Hyperthermia Susceptibility. Identifiers: Orphanet 423, MedGen C1866077, MONDO:0011163, OMIM 601887.
Hypokalemic periodic paralysis, type 1. Also called: Hypokalemic Periodic Paralysis Type 1 (AD); HypoPP. Identifiers: Orphanet 681, MedGen C3714580, MONDO:0042979, OMIM 170400.

Submission:

Labcorp Genetics (formerly Invitae), Labcorp
Classification: Uncertain significance for Hypokalemic periodic paralysis, type 1; Malignant hyperthermia, susceptibility to, 5. Last evaluated: 2023-11-07. Review status: criteria provided, single submitter. Criteria: Invitae Variant Classification Sherloc (09022015). Collection method: clinical testing. Allele origin: germline.
Comment: This sequence change replaces phenylalanine, which is neutral and non-polar, with leucine, which is neutral and non-polar, at codon 536 of the CACNA1S protein (p.Phe536Leu). This variant is not present in population databases (gnomAD no frequency). This variant has not been reported in the literature in individuals affected with CACNA1S-related conditions. Advanced modeling of protein sequence and biophysical properties (such as structural, functional, and spatial information, amino acid conservation, physicochemical variation, residue mobility, and thermodynamic stability) performed at Invitae indicates that this missense variant is not expected to disrupt CACNA1S protein function with a negative predictive value of 80%. In summary, the available evidence is currently insufficient to determine the role of this variant in disease. Therefore, it has been classified as a Variant of Uncertain Significance.